The following is an entry in ClinVar:

NM_000548.5(TSC2):c.2248C>T (p.Leu750Phe)

Gene: TSC2 (TSC complex subunit 2; plus strand). Cytogenetic location: 16p13.3.
Variant type: single nucleotide variant.
Coding change: c.2248C>T on transcript NM_000548.5 (MANE Select); coding-DNA position 2248, C replaced by T.
Protein change: p.Leu750Phe; replaces leucine 750 with phenylalanine.
Molecular consequence: missense variant.
Genome position (GRCh38, 1-based): chr16:2,072,876, C>T. VCF-style: chr16-2072876-C-T. GRCh37 (hg19) VCF-style: chr16-2122877-C-T.
Other names: c.2248C>T (NM_000548.3); c.2248C>T, p.Leu750Phe (NM_001077183.3, NM_001114382.3, NM_001363528.2 and 3 more transcripts); c.2137C>T, p.Leu713Phe (NM_001318827.2); c.2101C>T, p.Leu701Phe (NM_001318829.2); c.1648C>T, p.Leu550Phe (NM_001318831.2); c.2281C>T, p.Leu761Phe (NM_001318832.2); short protein forms L550F, L701F, L713F, L750F, L761F.
Identifiers: ClinVar variation 1022694 (VCV001022694.12), dbSNP rs754885213, ClinGen allele CA037765.

ClinVar aggregate classification (germline): Conflicting classifications of pathogenicity. Review status: criteria provided, conflicting classifications (1 of 4 stars). 3 submissions from 3 submitters: Uncertain significance (2); Benign (1). Last evaluated 2025-11-25.

Conditions:
Isolated focal cortical dysplasia type II (FCORD2). Also called: Focal cortical dysplasia type II; CORTICAL DYSPLASIA OF TAYLOR. Identifiers: Orphanet 268994, MedGen C1846385, MONDO:0011818, OMIM 607341, HP:0032051.
Hereditary cancer-predisposing syndrome. Also called: Hereditary neoplastic syndrome; Neoplastic Syndromes, Hereditary; Tumor predisposition; Hereditary Cancer Syndrome. Identifiers: Orphanet 140162, MedGen C0027672, MeSH D009386, MONDO:0015356.
Tuberous sclerosis 2 (TSC2). Identifiers: Orphanet 805, MedGen C1860707, MONDO:0013199, OMIM 613254.

Allele frequency attached by ClinVar (database versions not stated): gnomAD exomes below 0.00001; TOPMed below 0.00001; ExAC 0.00001; gnomAD 0.00001.

Submissions (3):

Ambry Genetics
Classification: Uncertain significance for Hereditary cancer-predisposing syndrome. Last evaluated: 2025-11-25. Review status: criteria provided, single submitter. Criteria: Ambry Variant Classification Scheme 2023. Collection method: clinical testing. Allele origin: germline.
Comment: The p.L750F variant (also known as c.2248C>T), located in coding exon 20 of the TSC2 gene, results from a C to T substitution at nucleotide position 2248. The leucine at codon 750 is replaced by phenylalanine, an amino acid with highly similar properties. This amino acid position is conserved. In addition, this alteration is predicted to be deleterious by in silico analysis. Since supporting evidence is limited at this time, the clinical significance of this alteration remains unclear.

Labcorp Genetics (formerly Invitae), Labcorp
Classification: Benign for Tuberous sclerosis 2. Last evaluated: 2025-04-23. Review status: criteria provided, single submitter. Criteria: Invitae Variant Classification Sherloc (09022015). Collection method: clinical testing. Allele origin: germline.

Baylor Genetics
Classification: Uncertain significance for Isolated focal cortical dysplasia type II. Last evaluated: 2024-03-11. Review status: criteria provided, single submitter. Criteria: ACMG Guidelines, 2015. Collection method: clinical testing. Allele origin: unknown.